The following is an entry in ClinVar:

ClinVar aggregate classification (germline): Uncertain significance. Review status: criteria provided, multiple submitters, no conflicts (2 of 4 stars). 2 submissions from 2 submitters: Uncertain significance (2). Last evaluated 2025-10-23.

Conditions:
Amyotrophic lateral sclerosis type 1 (ALS1). Also called: AMYOTROPHIC LATERAL SCLEROSIS 1, FAMILIAL. Identifiers: Orphanet 803, MedGen C1862939, MONDO:0007103, OMIM 105400.
Neuronopathy, distal hereditary motor, type 7B. Also called: NEURONOPATHY, DISTAL HEREDITARY MOTOR, AUTOSOMAL DOMINANT 14; NEURONOPATHY, DISTAL HEREDITARY MOTOR, HARDING TYPE VIIB; NEUROPATHY, DISTAL HEREDITARY MOTOR, HARDING TYPE VIIB; HMN VIIB; LOWER MOTOR NEURON DISEASE, DYNACTIN TYPE; NEUROPATHY, DISTAL HEREDITARY MOTOR, WITH VOCAL CORD PARALYSIS, HARDING TYPE VIIB. Identifiers: Orphanet 139589, MedGen C1843315, MONDO:0011879, OMIM 607641.
Perry syndrome. Also called: PARKINSONISM WITH ALVEOLAR HYPOVENTILATION AND MENTAL DEPRESSION. Identifiers: Orphanet 178509, MedGen C1868594, MONDO:0008201, OMIM 168605.
Inborn genetic diseases. Identifiers: MedGen C0950123, MeSH D030342.

Submissions (2):

Labcorp Genetics (formerly Invitae), Labcorp
Classification: Uncertain significance for Amyotrophic lateral sclerosis type 1; Neuronopathy, distal hereditary motor, type 7B; Perry syndrome. Last evaluated: 2025-10-23. Review status: criteria provided, single submitter. Criteria: Invitae Variant Classification Sherloc (09022015). Collection method: clinical testing. Allele origin: germline.
Comment: This sequence change replaces glutamic acid, which is acidic and polar, with aspartic acid, which is acidic and polar, at codon 1205 of the DCTN1 protein (p.Glu1205Asp). This variant is not present in population databases (gnomAD no frequency). This variant has not been reported in the literature in individuals affected with DCTN1-related conditions. ClinVar contains an entry for this variant (Variation ID: 1733271). Invitae Evidence Modeling of protein sequence and biophysical properties (such as structural, functional, and spatial information, amino acid conservation, physicochemical variation, residue mobility, and thermodynamic stability) indicates that this missense variant is not expected to disrupt DCTN1 protein function with a negative predictive value of 95%. In summary, the available evidence is currently insufficient to determine the role of this variant in disease. Therefore, it has been classified as a Variant of Uncertain Significance.

Ambry Genetics
Classification: Uncertain significance for Inborn genetic diseases. Last evaluated: 2022-06-05. Review status: criteria provided, single submitter. Criteria: Ambry Variant Classification Scheme 2023. Collection method: clinical testing. Allele origin: germline.
Comment: The p.E1205D variant (also known as c.3615G>T), located in coding exon 31 of the DCTN1 gene, results from a G to T substitution at nucleotide position 3615. The glutamic acid at codon 1205 is replaced by aspartic acid, an amino acid with highly similar properties. This amino acid position is conserved. In addition, this alteration is predicted to be tolerated by in silico analysis. Since supporting evidence is limited at this time, the clinical significance of this alteration remains unclear.

NM_004082.5(DCTN1):c.3615G>T (p.Glu1205Asp)

Gene: DCTN1 (dynactin subunit 1; minus strand). Cytogenetic location: 2p13.1.
Variant type: single nucleotide variant.
Coding change: c.3615G>T on transcript NM_004082.5 (MANE Select); coding-DNA position 3615, G replaced by T.
Protein change: p.Glu1205Asp; replaces glutamic acid 1205 with aspartic acid.
Molecular consequence: missense variant. On other transcripts: non-coding transcript variant (1).
Genome position (GRCh38, 1-based): chr2:74,362,136, C>A on the plus strand (G>T on the coding strand, the complement: DCTN1 is on the minus strand). VCF-style: chr2-74362136-C-A. GRCh37 (hg19) VCF-style: chr2-74589263-C-A.
Other names: c.3540G>T, p.Glu1180Asp (NM_001135040.3); c.3198G>T, p.Glu1066Asp (NM_001135041.3); c.3489G>T, p.Glu1163Asp (NM_001190836.2); c.3594G>T, p.Glu1198Asp (NM_001190837.2); c.3564G>T, p.Glu1188Asp (NM_001378991.1); c.3546G>T, p.Glu1182Asp (NM_001378992.1); c.3213G>T, p.Glu1071Asp (NM_023019.4); short protein forms E1188D, E1205D, E1066D, E1180D, E1198D, E1071D, E1163D, E1182D.
Identifiers: ClinVar variation 1733271 (VCV001733271.5), dbSNP rs1380660610, ClinGen allele CA347335118.
Genomic context (GRCh38, chr2:74,362,136, plus strand): 5'-GGTGGCAAAGTCAGTGGGTACTGTGGCTCCAGGGCGCTGAGATACTGTCTCCTTGAGGAC[C>A]TCATCCTAGGGAAGGGGAGAGGAAGACAAGGGTTCATTTATGGGACCCCCACAGGCTAGC-3'
Protein context (NP_004073.2, residues 1195-1215): LSDTVEKLKD[Glu1205Asp]VLKETVSQRP